The following is an entry in ClinVar:

NM_001114753.3(ENG):c.1384C>T (p.Gln462Ter)

Genes: ENG (endoglin; minus strand), LOC102723566 (uncharacterized LOC102723566; plus strand). Cytogenetic location: 9q34.11.
Variant type: single nucleotide variant.
Coding change: c.1384C>T on transcript NM_001114753.3 (MANE Select); coding-DNA position 1384, C replaced by T.
Protein change: p.Gln462Ter; replaces glutamine 462 with a stop codon.
Molecular consequence: nonsense.
Genome position (GRCh38, 1-based): chr9:127,818,760, G>A on the plus strand (C>T on the coding strand, the complement: ENG is on the minus strand). VCF-style: chr9-127818760-G-A. GRCh37 (hg19) VCF-style: chr9-130581039-G-A.
Other names: c.1384C>T, p.Gln462Ter (NM_000118.4); c.838C>T, p.Gln280Ter (NM_001278138.2); short protein forms Q280*, Q462*.
Identifiers: ClinVar variation 983197 (VCV000983197.4), dbSNP rs1830397703, ClinGen allele CA374977118.

ClinVar aggregate classification (germline): Pathogenic. Review status: criteria provided, multiple submitters, no conflicts (2 of 4 stars). 2 submissions from 2 submitters: Pathogenic (2). Last evaluated 2023-09-11.

Conditions:
Telangiectasia, hereditary hemorrhagic, type 1 (HHT1). Also called: Osler Weber Rendu syndrome type 1; ENG-Related Hereditary Hemorrhagic Telangiectasia. Identifiers: Orphanet 774, MedGen C4551861, MONDO:0008535, OMIM 187300. Disease mechanism: loss of function.
ENG-related disorder. Also called: ENG-related condition; ENG-related disorders.

Submissions (2):

Blueprint Genetics
Classification: Pathogenic for ENG-related disorders. Last evaluated: 2023-09-11. Review status: criteria provided, single submitter. Criteria: ACMG Guidelines, 2015. Collection method: clinical testing. Allele origin: germline. Affected: yes. Observed: 2 variant alleles.

NIHR Bioresource Rare Diseases, University of Cambridge
Classification: Pathogenic for Telangiectasia, hereditary hemorrhagic, type 1. Last evaluated: 2018-01-01. Review status: criteria provided, single submitter. Criteria: ACMG Guidelines, 2015. Collection method: research. Allele origin: unknown. Affected: yes. Observed: 1 variant allele.
Comment: PVS1+PM2+PP4

Literature cited by the submitters: PubMed 32573726 (cited by NIHR Bioresource Rare Diseases, University of Cambridge).